The following is an entry in ClinVar:

NM_001042492.3(NF1):c.4836-1G>T

Gene: NF1 (neurofibromin 1; plus strand). Cytogenetic location: 17q11.2.
Variant type: single nucleotide variant.
Coding change: c.4836-1G>T on transcript NM_001042492.3 (MANE Select); the canonical splice acceptor site of the intron before coding-DNA position 4836, G replaced by T.
Molecular consequence: splice acceptor variant.
Genome position (GRCh38, 1-based): chr17:31,325,819, G>T. VCF-style: chr17-31325819-G-T. GRCh37 (hg19) VCF-style: chr17-29652837-G-T.
Other names: c.4773-1G>T (NM_000267.4).
Identifiers: ClinVar variation 1368909 (VCV001368909.7), dbSNP rs1057518326, ClinGen allele CA399006872.

ClinVar aggregate classification (germline): Pathogenic/Likely pathogenic. Review status: criteria provided, multiple submitters, no conflicts (2 of 4 stars). 2 submissions from 2 submitters: Pathogenic (1); Likely pathogenic (1). Last evaluated 2025-11-10.

Conditions:
Neurofibromatosis, type 1 (NF1). Also called: Peripheral type neurofibromatosis; Neurofibromatosis, type I; NEUROFIBROMATOSIS, TYPE I, SOMATIC; VON RECKLINGHAUSEN DISEASE. Identifiers: Orphanet 636, MedGen C0027831, MONDO:0018975, OMIM 162200. Disease mechanism: loss of function.

Submissions (2):

Labcorp Genetics (formerly Invitae), Labcorp
Classification: Pathogenic for Neurofibromatosis, type 1. Last evaluated: 2025-11-10. Review status: criteria provided, single submitter. Criteria: Invitae Variant Classification Sherloc (09022015). Collection method: clinical testing. Allele origin: germline.
Comment: This sequence change affects an acceptor splice site in intron 35 of the NF1 gene. It is expected to disrupt RNA splicing. Variants that disrupt the donor or acceptor splice site typically lead to a loss of protein function (PMID: 16199547), and loss-of-function variants in NF1 are known to be pathogenic (PMID: 10712197, 23913538). This variant is not present in population databases (gnomAD no frequency). Disruption of this splice site has been observed in individuals with neurofibromatosis type 1 (internal data). Invitae Evidence Modeling of clinical and family history, age, sex, and reported ancestry of multiple individuals with this NF1 variant has been performed. This variant is expected to be pathogenic with a positive predictive value of at least 99%. This is a validated machine learning model that incorporates the clinical features of 1,785,918 individuals referred to our laboratory for NF1 testing. ClinVar contains an entry for this variant (Variation ID: 1368909). Algorithms developed to predict the effect of sequence changes on RNA splicing suggest that this variant may disrupt the consensus splice site. For these reasons, this variant has been classified as Pathogenic.

Institute for Genomic Medicine (IGM) Clinical Laboratory, Nationwide Children's Hospital
Classification: Likely pathogenic for Neurofibromatosis, type 1. Last evaluated: 2024-04-01. Review status: criteria provided, single submitter. Criteria: ACMG Guidelines, 2015. Collection method: clinical testing. Allele origin: germline.
Comment: This variant is predicted to result in loss of function through nonsense-mediated decay of the encoded transcript or premature truncation of the encoded protein in a gene in which loss of function is a known mechanism of disease (ACMG/AMP: PVS1; PMIDs:10712197, 23913538). This variant is absent from or present at an exceedingly low frequency in gnomAD, a large-scale control population database (ACMG/AMP: PM2).

Literature cited by the submitters: PubMed 16199547 (cited by Labcorp Genetics (formerly Invitae), Labcorp); PubMed 10712197 (cited by Labcorp Genetics (formerly Invitae), Labcorp and Institute for Genomic Medicine (IGM) Clinical Laboratory, Nationwide Children's Hospital); PubMed 23913538 (cited by Labcorp Genetics (formerly Invitae), Labcorp and Institute for Genomic Medicine (IGM) Clinical Laboratory, Nationwide Children's Hospital).